The following is an entry in ClinVar:

ClinVar aggregate classification (germline): Uncertain significance. Review status: criteria provided, multiple submitters, no conflicts (2 of 4 stars). 2 submissions from 2 submitters: Uncertain significance (2). Last evaluated 2024-05-09.

Conditions:
Hereditary cancer-predisposing syndrome. Also called: Neoplastic Syndromes, Hereditary; Hereditary Cancer Syndrome; Tumor predisposition; Hereditary neoplastic syndrome. Identifiers: Orphanet 140162, MedGen C0027672, MeSH D009386, MONDO:0015356.
Familial adenomatous polyposis 1 (FAP1). Also called: FAMILIAL ADENOMATOUS POLYPOSIS 1, ATTENUATED; POLYPOSIS, ADENOMATOUS INTESTINAL. Identifiers: MedGen C2713442, MONDO:0021056, OMIM 175100. Disease mechanism: loss of function.

gnomAD v4.1: 1 of 1,613,798 alleles (0.000062%); no homozygotes.

Submissions (2):

Ambry Genetics
Classification: Uncertain significance for Hereditary cancer-predisposing syndrome. Last evaluated: 2024-05-09. Review status: criteria provided, single submitter. Criteria: Ambry Variant Classification Scheme 2023. Collection method: clinical testing. Allele origin: germline.
Comment: The p.S1902T variant (also known as c.5704T>A), located in coding exon 15 of the APC gene, results from a T to A substitution at nucleotide position 5704. The serine at codon 1902 is replaced by threonine, an amino acid with similar properties. This amino acid position is well conserved in available vertebrate species. In addition, in silico predictors for this gene do not accurately predict pathogenicity. Missense alterations in APC are not a common cause of disease (Spier I et al. Genet Med. 2024 Feb;26(2):100992). Based on the available evidence, the clinical significance of this variant remains unclear.

Labcorp Genetics (formerly Invitae), Labcorp
Classification: Uncertain significance for Familial adenomatous polyposis 1. Last evaluated: 2023-08-10. Review status: criteria provided, single submitter. Criteria: Invitae Variant Classification Sherloc (09022015). Collection method: clinical testing. Allele origin: germline.
Comment: This sequence change replaces serine, which is neutral and polar, with threonine, which is neutral and polar, at codon 1902 of the APC protein (p.Ser1902Thr). This variant is not present in population databases (gnomAD no frequency). This variant has not been reported in the literature in individuals affected with APC-related conditions. ClinVar contains an entry for this variant (Variation ID: 1374760). Advanced modeling of protein sequence and biophysical properties (such as structural, functional, and spatial information, amino acid conservation, physicochemical variation, residue mobility, and thermodynamic stability) performed at Invitae indicates that this missense variant is not expected to disrupt APC protein function. In summary, the available evidence is currently insufficient to determine the role of this variant in disease. Therefore, it has been classified as a Variant of Uncertain Significance.

NM_000038.6(APC):c.5704T>A (p.Ser1902Thr)

Gene: APC (APC regulator of Wnt signaling pathway; plus strand). Cytogenetic location: 5q22.2.
Variant type: single nucleotide variant.
Coding change: c.5704T>A on transcript NM_000038.6 (MANE Select); coding-DNA position 5704, T replaced by A.
Protein change: p.Ser1902Thr; replaces serine 1902 with threonine.
Molecular consequence: missense variant.
Genome position (GRCh38, 1-based): chr5:112,841,298, T>A. VCF-style: chr5-112841298-T-A. GRCh37 (hg19) VCF-style: chr5-112176995-T-A.
Other names: c.5704T>A, p.Ser1902Thr (NM_001127510.3, NM_001354895.2); c.5650T>A, p.Ser1884Thr (NM_001127511.3); c.5758T>A, p.Ser1920Thr (NM_001354896.2); c.5734T>A, p.Ser1912Thr (NM_001354897.2); c.5629T>A, p.Ser1877Thr (NM_001354898.2); c.5620T>A, p.Ser1874Thr (NM_001354899.2); c.5581T>A, p.Ser1861Thr (NM_001354900.2); c.5527T>A, p.Ser1843Thr (NM_001354901.2); and 5 more; short protein forms S1619T, S1874T, S1884T, S1920T, S1811T, S1877T, S1801T, S1843T.
Identifiers: ClinVar variation 1374760 (VCV001374760.9), dbSNP rs1338310729, ClinGen allele CA16033816.
Genomic context (GRCh38, chr5:112,841,298, plus strand): 5'-AGAAAGGCAAAAGAAAATAAGGAATCAGAGGCTAAAGTTACCAGCCACACAGAACTAACC[T>A]CCAACCAACAATCAGCTAATAAGACACAAGCTATTGCAAAGCAGCCAATAAATCGAGGTC-3'
Protein context (NP_000029.2, residues 1892-1912): AKVTSHTELT[Ser1902Thr]NQQSANKTQA